The following is an entry in ClinVar:

ClinVar aggregate classification (germline): Uncertain significance. Review status: reviewed by expert panel (3 of 4 stars). 2 submissions from 2 submitters: Uncertain significance (1). 1 of the submissions does not count toward it. Last evaluated 2024-09-18.

Conditions:
Hereditary thrombocytopenia and hematologic cancer predisposition syndrome. Identifiers: Orphanet 71290, MedGen CN281654, MONDO:0011071.
Hereditary thrombocytopenia and hematological cancer predisposition syndrome associated with RUNX1. Also called: RUNX1 Familial Platelet Disorder with Associated Myeloid Malignancies; Familial Platelet Disorder with Propensity to Acute Myelogenous Leukemia; Familial thrombocytopenia with propensity to acute myelogenous leukemia; PLATELET DISORDER, ASPIRIN-LIKE. Identifiers: Orphanet 71290, MedGen C1832388, MeSH C563324, MONDO:0100083, OMIM 601399.

gnomAD v4.1: 2 of 1,542,484 alleles (0.00013%); highest among the groups gnomAD compares: Non-Finnish European, 0.00017%; no homozygotes.

Submissions (2):

ClinGen Myeloid Malignancy Variant Curation Expert Panel
Classification: Uncertain significance for Hereditary thrombocytopenia and hematologic cancer predisposition syndrome. Last evaluated: 2024-09-18. Review status: reviewed by expert panel. Criteria: ClinGen MyeloMalig ACMG Specifications v2. Collection method: curation. Allele origin: germline. Inheritance: Autosomal dominant inheritance.
Comment: NM_001754.5(RUNX1):c.1298C>G (p.Thr433Ser) is a missense variant which has a REVEL score < 0.50 (0.16) and a SpliceAI score ≤ 0.20 (0) (BP4). This variant is completely absent from all population databases with at least 20x coverage for RUNX1 (PM2_Supporting). In summary, the clinical significance of this variant is uncertain. ACMG/AMP criteria applied, as specified by the Myeloid Malignancy Variant Curation Expert Panel for RUNX1: BP4, PM2_supporting.

Labcorp Genetics (formerly Invitae), Labcorp
Classification: Uncertain significance for Hereditary thrombocytopenia and hematological cancer predisposition syndrome associated with RUNX1. Last evaluated: 2022-02-24. Review status: criteria provided, single submitter. Criteria: Invitae Variant Classification Sherloc (09022015). Collection method: clinical testing. Allele origin: germline. Not counted in ClinVar's aggregate classification.
Comment: In summary, the available evidence is currently insufficient to determine the role of this variant in disease. Therefore, it has been classified as a Variant of Uncertain Significance. Algorithms developed to predict the effect of sequence changes on RNA splicing suggest that this variant may create or strengthen a splice site. Algorithms developed to predict the effect of missense changes on protein structure and function are either unavailable or do not agree on the potential impact of this missense change (SIFT: "Tolerated"; PolyPhen-2: "Possibly Damaging"; Align-GVGD: "Class C0"). This variant has not been reported in the literature in individuals affected with RUNX1-related conditions. This variant is not present in population databases (gnomAD no frequency). This sequence change replaces threonine, which is neutral and polar, with serine, which is neutral and polar, at codon 433 of the RUNX1 protein (p.Thr433Ser).

NM_001754.5(RUNX1):c.1298C>G (p.Thr433Ser)

Gene: RUNX1 (RUNX family transcription factor 1; minus strand). Cytogenetic location: 21q22.12.
Variant type: single nucleotide variant.
Coding change: c.1298C>G on transcript NM_001754.5 (MANE Select); coding-DNA position 1298, C replaced by G.
Protein change: p.Thr433Ser; replaces threonine 433 with serine.
Molecular consequence: missense variant.
Genome position (GRCh38, 1-based): chr21:34,792,280, G>C on the plus strand (C>G on the coding strand, the complement: RUNX1 is on the minus strand). VCF-style: chr21-34792280-G-C. GRCh37 (hg19) VCF-style: chr21-36164577-G-C.
Other names: NM_001754.5(RUNX1):c.1298C>G; p.Thr433Ser; c.1217C>G, p.Thr406Ser (NM_001001890.3); short protein forms T406S, T433S.
Identifiers: ClinVar variation 1485668 (VCV001485668.7), dbSNP rs2145873756, ClinGen allele CA410147459.